The following is an entry in ClinVar:

ClinVar aggregate classification (germline): Uncertain significance (1 of 4 stars; one submission).

Submission:

Labcorp Genetics (formerly Invitae), Labcorp
Classification: Uncertain significance. Last evaluated: 2025-04-10. Review status: criteria provided, single submitter. Criteria: Invitae Variant Classification Sherloc (09022015). Collection method: clinical testing. Allele origin: germline.
Comment: This sequence change replaces glycine, which is neutral and non-polar, with glutamic acid, which is acidic and polar, at codon 1272 of the TRRAP protein (p.Gly1272Glu). This variant is not present in population databases (gnomAD no frequency). This variant has not been reported in the literature in individuals affected with TRRAP-related conditions. Invitae Evidence Modeling of protein sequence and biophysical properties (such as structural, functional, and spatial information, amino acid conservation, physicochemical variation, residue mobility, and thermodynamic stability) indicates that this missense variant is not expected to disrupt TRRAP protein function with a negative predictive value of 80%. In summary, the available evidence is currently insufficient to determine the role of this variant in disease. Therefore, it has been classified as a Variant of Uncertain Significance.

NM_001375524.1(TRRAP):c.3815G>A (p.Gly1272Glu)

Gene: TRRAP (transformation/transcription domain associated protein; plus strand). Cytogenetic location: 7q22.1.
Variant type: single nucleotide variant.
Coding change: c.3815G>A on transcript NM_001375524.1 (MANE Select); coding-DNA position 3815, G replaced by A.
Protein change: p.Gly1272Glu; replaces glycine 1272 with glutamic acid.
Molecular consequence: missense variant.
Genome position (GRCh38, 1-based): chr7:98,931,628, G>A. VCF-style: chr7-98931628-G-A. GRCh37 (hg19) VCF-style: chr7-98529251-G-A.
Other names: c.3815G>A, p.Gly1272Glu (NM_001244580.2, NM_003496.4); short protein forms G1272E.
Identifiers: ClinVar variation 4730913 (VCV004730913.1).
Genomic context (GRCh38, chr7:98,931,628, plus strand): 5'-CAAACTCCACTGTGAGGAAGCAGGCCATGCATTCGCTGCAGGTGTTGGCCCAGGTCACTG[G>A]GAAGAGTGTCACGGTGATCATGGAACCCCACAAAGAGGTGAGATTTCTGTCACCAGAACC-3'
Protein context (NP_001362453.1, residues 1262-1282): HSLQVLAQVT[Gly1272Glu]KSVTVIMEPH